The following is an entry in ClinVar:

NM_015272.5(RPGRIP1L):c.121G>A (p.Ala41Thr)

Gene: RPGRIP1L (RPGRIP1 like; minus strand). Cytogenetic location: 16q12.2.
Variant type: single nucleotide variant.
Coding change: c.121G>A on transcript NM_015272.5 (MANE Select); coding-DNA position 121, G replaced by A.
Protein change: p.Ala41Thr; replaces alanine 41 with threonine.
Molecular consequence: missense variant.
Genome position (GRCh38, 1-based): chr16:53,696,260, C>T on the plus strand (G>A on the coding strand, the complement: RPGRIP1L is on the minus strand). VCF-style: chr16-53696260-C-T. GRCh37 (hg19) VCF-style: chr16-53730172-C-T.
Other names: c.121G>A, p.Ala41Thr (NM_001127897.4, NM_001308334.3, NM_001328422.2 and 2 more transcripts); short protein forms A41T.
Identifiers: ClinVar variation 2097687 (VCV002097687.4), dbSNP rs1457715829, ClinGen allele CA395926040.

ClinVar aggregate classification (germline): Uncertain significance (1 of 4 stars; one submission).

Conditions:
Joubert syndrome. Also called: CEREBELLOPARENCHYMAL DISORDER IV; JOUBERT-BOLTSHAUSER SYNDROME; Familial aplasia of the vermis. Identifiers: Orphanet 475, MedGen C5979921, MONDO:0018772.
Meckel-Gruber syndrome. Also called: DYSENCEPHALIA SPLANCHNOCYSTICA; GRUBER SYNDROME; Dysencephalia splachnocystica. Identifiers: Orphanet 564, MedGen C0265215, MONDO:0018921.

Submission:

Labcorp Genetics (formerly Invitae), Labcorp
Classification: Uncertain significance for Joubert syndrome; Meckel-Gruber syndrome. Last evaluated: 2024-01-15. Review status: criteria provided, single submitter. Criteria: Invitae Variant Classification Sherloc (09022015). Collection method: clinical testing. Allele origin: germline.
Comment: This sequence change replaces alanine, which is neutral and non-polar, with threonine, which is neutral and polar, at codon 41 of the RPGRIP1L protein (p.Ala41Thr). This variant is present in population databases (no rsID available, gnomAD 0.003%). This variant has not been reported in the literature in individuals affected with RPGRIP1L-related conditions. ClinVar contains an entry for this variant (Variation ID: 2097687). Advanced modeling of protein sequence and biophysical properties (such as structural, functional, and spatial information, amino acid conservation, physicochemical variation, residue mobility, and thermodynamic stability) performed at Invitae indicates that this missense variant is not expected to disrupt RPGRIP1L protein function with a negative predictive value of 80%. In summary, the available evidence is currently insufficient to determine the role of this variant in disease. Therefore, it has been classified as a Variant of Uncertain Significance.